The following is an entry in ClinVar:

ClinVar aggregate classification (germline): Uncertain significance (1 of 4 stars; one submission).

Allele frequency attached by ClinVar (database versions not stated): gnomAD exomes 0.00001.
gnomAD v4.1: 11 of 1,613,908 alleles (0.00068%); highest among the groups gnomAD compares: South Asian, 0.0011%; no homozygotes.

Submission:

Labcorp Genetics (formerly Invitae), Labcorp
Classification: Uncertain significance. Last evaluated: 2022-11-06. Review status: criteria provided, single submitter. Criteria: Invitae Variant Classification Sherloc (09022015). Collection method: clinical testing. Allele origin: germline.
Comment: In summary, the available evidence is currently insufficient to determine the role of this variant in disease. Therefore, it has been classified as a Variant of Uncertain Significance. Advanced modeling of protein sequence and biophysical properties (such as structural, functional, and spatial information, amino acid conservation, physicochemical variation, residue mobility, and thermodynamic stability) performed at Invitae indicates that this missense variant is expected to disrupt NEUROD1 protein function. This variant has not been reported in the literature in individuals affected with NEUROD1-related conditions. This variant is present in population databases (no rsID available, gnomAD 0.003%). This sequence change replaces asparagine, which is neutral and polar, with serine, which is neutral and polar, at codon 182 of the NEUROD1 protein (p.Asn182Ser).

NM_002500.5(NEUROD1):c.545A>G (p.Asn182Ser)

Gene: NEUROD1 (neuronal differentiation 1; minus strand). Cytogenetic location: 2q31.3.
Variant type: single nucleotide variant.
Coding change: c.545A>G on transcript NM_002500.5 (MANE Select); coding-DNA position 545, A replaced by G.
Protein change: p.Asn182Ser; replaces asparagine 182 with serine.
Molecular consequence: missense variant.
Genome position (GRCh38, 1-based): chr2:181,678,316, T>C on the plus strand (A>G on the coding strand, the complement: NEUROD1 is on the minus strand). VCF-style: chr2-181678316-T-C. GRCh37 (hg19) VCF-style: chr2-182543043-T-C.
Other names: short protein forms N182S.
Identifiers: ClinVar variation 2977140 (VCV002977140.3), dbSNP rs1216007683, ClinGen allele CA349784521.
Genomic context (GRCh38, chr2:181,678,316, plus strand): 5'-TCCTGGTTCTGCTCAGGCAGAAAAGTCCGAGGATTGAGTTGCAGGCAGCCCGCAACCAGG[T>C]TGGTGGTGGGTTGGGATAAGCCCTTGCAAAGCGTCTGAACGAAGGAGACCAGGTCTGGGC-3'
Protein context (NP_002491.3, residues 172-192): LCKGLSQPTT[Asn182Ser]LVAGCLQLNP